The following is an entry in ClinVar:

NM_152418.4(DCAF4L2):c.826C>T (p.Leu276=)

Gene: DCAF4L2 (DDB1 and CUL4 associated factor 4 like 2; minus strand). Cytogenetic location: 8q21.3.
Variant type: single nucleotide variant.
Coding change: c.826C>T on transcript NM_152418.4 (MANE Select); coding-DNA position 826, C replaced by T.
Protein change: p.Leu276=; no amino-acid change (leucine 276 retained).
Molecular consequence: synonymous variant.
Genome position (GRCh38, 1-based): chr8:87,873,146, G>A on the plus strand (C>T on the coding strand, the complement: DCAF4L2 is on the minus strand). VCF-style: chr8-87873146-G-A. GRCh37 (hg19) VCF-style: chr8-88885374-G-A.
Identifiers: ClinVar variation 3034793 (VCV003034793.2), dbSNP rs149030322, ClinGen allele CA4801151.

ClinVar aggregate classification (germline): Likely benign (0 of 4 stars; one submission).

Conditions:
DCAF4L2-related disorder. Also called: DCAF4L2-related condition.

Allele frequency attached by ClinVar (database versions not stated): gnomAD 0.00075; 1000 Genomes Project 30x 0.00078; 1000 Genomes Project 0.00080; TOPMed 0.00090; ExAC 0.00118; gnomAD exomes 0.00129; ESP Exome Variant Server 0.00161.
gnomAD v4.1: 2,013 of 1,614,196 alleles (0.12%); highest among the groups gnomAD compares: South Asian, 0.25%; 8 homozygotes.

Submission:

PreventionGenetics, part of Exact Sciences
Classification: Likely benign for DCAF4L2-related condition. Last evaluated: 2019-07-25. Review status: no assertion criteria provided. Collection method: clinical testing. Allele origin: germline.
Comment: This variant is classified as likely benign based on ACMG/AMP sequence variant interpretation guidelines (Richards et al. 2015 PMID: 25741868, with internal and published modifications).